The following is an entry in ClinVar:

NM_181882.3(PRX):c.502C>T (p.Arg168Trp)

Gene: PRX (periaxin; minus strand). Cytogenetic location: 19q13.2.
Variant type: single nucleotide variant.
Coding change: c.502C>T on transcript NM_181882.3 (MANE Select); coding-DNA position 502, C replaced by T.
Protein change: p.Arg168Trp; replaces arginine 168 with tryptophan.
Molecular consequence: missense variant. On other transcripts: 3 prime UTR variant (1).
Genome position (GRCh38, 1-based): chr19:40,397,850, G>A on the plus strand (C>T on the coding strand, the complement: PRX is on the minus strand). VCF-style: chr19-40397850-G-A. GRCh37 (hg19) VCF-style: chr19-40903757-G-A.
Other names: c.*707C>T (NM_020956.2); short protein forms R168W.
Identifiers: ClinVar variation 476976 (VCV000476976.5), dbSNP rs374193988, ClinGen allele CA9444439.

ClinVar aggregate classification (germline): Uncertain significance. Review status: criteria provided, multiple submitters, no conflicts (2 of 4 stars). 3 submissions from 3 submitters: Uncertain significance (3). Last evaluated 2023-01-19.

Conditions:
PRX-related disorder. Also called: PRX-related condition; PRX-Related Disorders.
Charcot-Marie-Tooth disease. Also called: Charcot-Marie-Tooth Neuropathy; Charcot-Marie-Tooth Hereditary Neuropathy. Identifiers: Orphanet 166, MedGen C0007959, MONDO:0015626.
Charcot-Marie-Tooth disease type 4. Also called: Charcot-Marie-Tooth, Type 4; Charcot-Marie-Tooth disease, type IV. Identifiers: Orphanet 64749, MedGen C4082197, MONDO:0018995.

Allele frequency attached by ClinVar (database versions not stated): gnomAD 0.00002; gnomAD exomes 0.00002; TOPMed 0.00004; ExAC 0.00006; ESP Exome Variant Server 0.00015.
gnomAD v4.1: 31 of 1,604,154 alleles (0.0019%); highest among the groups gnomAD compares: Non-Finnish European, 0.0025%; no homozygotes.

Submissions (3):

PreventionGenetics, part of Exact Sciences
Classification: Uncertain significance for PRX-related condition. Last evaluated: 2023-01-19. Review status: criteria provided, single submitter. Criteria: ACMG Guidelines, 2015. Collection method: clinical testing. Allele origin: germline.
Comment: The PRX c.502C>T variant is predicted to result in the amino acid substitution p.Arg168Trp. This variant was reported in a Charcot-Marie-Tooth disease cohort study (Supplementary Table 2, Volodarsky et al. 2021. PubMed ID: 32376792). This variant is reported in 0.0074% of alleles in individuals of African descent in gnomAD. At this time, the clinical significance of this variant is uncertain due to the absence of conclusive functional and genetic evidence.

Labcorp Genetics (formerly Invitae), Labcorp
Classification: Uncertain significance for Charcot-Marie-Tooth disease type 4. Last evaluated: 2022-08-23. Review status: criteria provided, single submitter. Criteria: Invitae Variant Classification Sherloc (09022015). Collection method: clinical testing. Allele origin: germline.
Comment: This sequence change replaces arginine, which is basic and polar, with tryptophan, which is neutral and slightly polar, at codon 168 of the PRX protein (p.Arg168Trp). The frequency data for this variant in the population databases is considered unreliable, as metrics indicate poor data quality at this position in the gnomAD database. This missense change has been observed in individual(s) with clinical features of Charcot-Marie-Tooth disease (PMID: 32376792). ClinVar contains an entry for this variant (Variation ID: 476976). Algorithms developed to predict the effect of missense changes on protein structure and function are either unavailable or do not agree on the potential impact of this missense change (SIFT: "Deleterious"; PolyPhen-2: "Possibly Damaging"; Align-GVGD: "Class C0"). In summary, the available evidence is currently insufficient to determine the role of this variant in disease. Therefore, it has been classified as a Variant of Uncertain Significance.

Molecular Genetics Laboratory, London Health Sciences Centre
Classification: Uncertain significance for Charcot-Marie-Tooth disease. Review status: criteria provided, single submitter. Criteria: ACMG Guidelines, 2015. Collection method: clinical testing. Allele origin: germline. Affected: yes.

Literature cited by the submitters: PubMed 32376792 (cited by Labcorp Genetics (formerly Invitae), Labcorp).